The following is an entry in ClinVar:

ClinVar aggregate classification (germline): Conflicting classifications of pathogenicity. Review status: criteria provided, conflicting classifications (1 of 4 stars). 2 submissions from 2 submitters: Pathogenic (1); Uncertain significance (1). Last evaluated 2025-12-09.

Conditions:
Hereditary cancer-predisposing syndrome. Also called: Hereditary neoplastic syndrome; Tumor predisposition; Neoplastic Syndromes, Hereditary; Hereditary Cancer Syndrome. Identifiers: Orphanet 140162, MedGen C0027672, MeSH D009386, MONDO:0015356.
Ataxia-telangiectasia syndrome (AT). Also called: Ataxia-telangiectasia, complementation group D; AT, COMPLEMENTATION GROUP C; Cerebello-oculocutaneous telangiectasia; Immunodeficiency with ataxia telangiectasia; Ataxia-telangiectasia, complementation group E; Ataxia telangiectasia (A-T). Identifiers: Orphanet 100, MedGen C0004135, MONDO:0008840, OMIM 208900.

Submissions (2):

Labcorp Genetics (formerly Invitae), Labcorp
Classification: Pathogenic for Ataxia-telangiectasia syndrome. Last evaluated: 2025-12-09. Review status: criteria provided, single submitter. Criteria: Invitae Variant Classification Sherloc (09022015). Collection method: clinical testing. Allele origin: germline.
Comment: This sequence change falls in intron 17 of the ATM gene. It does not directly change the encoded amino acid sequence of the ATM protein. RNA analysis indicates that this variant induces altered splicing and may result in an absent or altered protein product. This variant is not present in population databases (gnomAD no frequency). This variant has not been reported in the literature in individuals affected with ATM-related conditions. ClinVar contains an entry for this variant (Variation ID: 2447494). Studies have shown that this variant results in activation of a cryptic splice site, and produces a non-functional protein and/or introduces a premature termination codon (internal data). For these reasons, this variant has been classified as Pathogenic.

Ambry Genetics
Classification: Uncertain significance for Hereditary cancer-predisposing syndrome. Last evaluated: 2022-11-07. Review status: criteria provided, single submitter. Criteria: Ambry Variant Classification Scheme 2023. Collection method: clinical testing. Allele origin: germline.
Comment: The c.2638+304C>A intronic alteration consists of a C to A substitution 04 nucleotides after coding exon 16 in the ATM gene. Based on insufficient or conflicting evidence, the clinical significance of this alteration remains unclear.

NM_000051.4(ATM):c.2638+304C>A

Gene: ATM (ATM serine/threonine kinase; plus strand). Cytogenetic location: 11q22.3.
Variant type: single nucleotide variant.
Coding change: c.2638+304C>A on transcript NM_000051.4 (MANE Select); 304 bases into the intron after coding-DNA position 2638, C replaced by A.
Molecular consequence: intron variant.
Genome position (GRCh38, 1-based): chr11:108,267,646, C>A. VCF-style: chr11-108267646-C-A. GRCh37 (hg19) VCF-style: chr11-108138373-C-A.
Other names: c.2638+304C>A (NM_001351834.2).
Identifiers: ClinVar variation 2447494 (VCV002447494.5), dbSNP rs2497611119, ClinGen allele CA2580083075.